The following is an entry in ClinVar:

ClinVar aggregate classification (germline): Uncertain significance. Review status: criteria provided, multiple submitters, no conflicts (2 of 4 stars). 3 submissions from 3 submitters: Uncertain significance (3). Last evaluated 2026-06-22.

Conditions:
Familial adenomatous polyposis 2. Also called: Adenomas, multiple colorectal; MUTYH Polyposis; FAP type 2; COLORECTAL ADENOMATOUS POLYPOSIS, AUTOSOMAL RECESSIVE; ADENOMAS, MULTIPLE COLORECTAL, AUTOSOMAL RECESSIVE; MYH-associated polyposis. Identifiers: Orphanet 220460, Orphanet 247798, MedGen C3272841, MONDO:0012041, OMIM 608456.
Hereditary cancer-predisposing syndrome. Also called: Neoplastic Syndromes, Hereditary; Hereditary Cancer Syndrome; Hereditary neoplastic syndrome; Tumor predisposition. Identifiers: Orphanet 140162, MedGen C0027672, MeSH D009386, MONDO:0015356.

gnomAD v4.1: 1 of 1,613,938 alleles (0.000062%); no homozygotes.

Submissions (3):

Ambry Genetics
Classification: Uncertain significance for Hereditary cancer-predisposing syndrome. Last evaluated: 2026-06-22. Review status: criteria provided, single submitter. Criteria: Ambry Variant Classification Scheme 2023. Collection method: clinical testing. Allele origin: germline.
Comment: The p.G396V variant (also known as c.1187G>T) is located in coding exon 13 of the MUTYH gene. The glycine at codon 396 is replaced by valine, an amino acid with dissimilar properties. This change occurs in the first base pair of coding exon 13. In a massively parallel cell-based functional assay testing 7,8-dihydro-8-oxoguanine:adenine (8OG:A) repair activity, a byproduct of oxidative damage, this variant was reported to be inconclusive (Hemker SL et al. Am J Hum Genet, 2025 Sep;112:2010-2026). This amino acid position is highly conserved in available vertebrate species. In addition, this alteration is predicted to be deleterious by in silico analysis. Based on the available evidence, the clinical significance of this variant remains unclear.

Labcorp Genetics (formerly Invitae), Labcorp
Classification: Uncertain significance for Familial adenomatous polyposis 2. Last evaluated: 2025-11-10. Review status: criteria provided, single submitter. Criteria: Invitae Variant Classification Sherloc (09022015). Collection method: clinical testing. Allele origin: germline.
Comment: This sequence change replaces glycine, which is neutral and non-polar, with valine, which is neutral and non-polar, at codon 396 of the MUTYH protein (p.Gly396Val). This variant is not present in population databases (gnomAD no frequency). This variant has not been reported in the literature in individuals affected with MUTYH-related conditions. ClinVar contains an entry for this variant (Variation ID: 645786). An algorithm developed to predict the effect of missense changes on protein structure and function (PolyPhen-2) suggests that this variant is likely to be disruptive. This variant disrupts the p.Gly396 amino acid residue in MUTYH. Other variant(s) that disrupt this residue have been determined to be pathogenic (PMID: 11818965, 16557584, 17489848, 19793053). This suggests that this residue is clinically significant, and that variants that disrupt this residue are likely to be disease-causing. In summary, the available evidence is currently insufficient to determine the role of this variant in disease. Therefore, it has been classified as a Variant of Uncertain Significance.

Baylor Genetics
Classification: Uncertain significance for Familial adenomatous polyposis 2. Last evaluated: 2024-01-23. Review status: criteria provided, single submitter. Criteria: ACMG Guidelines, 2015. Collection method: clinical testing. Allele origin: unknown.

Literature cited by the submitters: PubMed 40738107 (cited by Ambry Genetics); PubMed 11818965 (cited by Labcorp Genetics (formerly Invitae), Labcorp); PubMed 16557584 (cited by Labcorp Genetics (formerly Invitae), Labcorp); PubMed 17489848 (cited by Labcorp Genetics (formerly Invitae), Labcorp); PubMed 19793053 (cited by Labcorp Genetics (formerly Invitae), Labcorp).

NM_001048174.2(MUTYH):c.1103G>T (p.Gly368Val)

Gene: MUTYH (mutY DNA glycosylase; minus strand). Cytogenetic location: 1p34.1.
Variant type: single nucleotide variant.
Coding change: c.1103G>T on transcript NM_001048174.2 (MANE Select); coding-DNA position 1103, G replaced by T.
Protein change: p.Gly368Val; replaces glycine 368 with valine.
Molecular consequence: missense variant. On other transcripts: non-coding transcript variant (2).
Genome position (GRCh38, 1-based): chr1:45,331,556, C>A on the plus strand (G>T on the coding strand, the complement: MUTYH is on the minus strand). VCF-style: chr1-45331556-C-A. GRCh37 (hg19) VCF-style: chr1-45797228-C-A.
Other names: c.1103G>T, p.Gly368Val (NM_001048171.2, NM_001048173.2, NM_001293195.2); c.1106G>T, p.Gly369Val (NM_001048172.2); c.1187G>T, p.Gly396Val (NM_001128425.2); c.1148G>T, p.Gly383Val (NM_001293190.2); c.1136G>T, p.Gly379Val (NM_001293191.2); c.827G>T, p.Gly276Val (NM_001293192.2, NM_001293196.2); c.758G>T, p.Gly253Val (NM_001350650.2, NM_001350651.2); c.1178G>T, p.Gly393Val (NM_012222.3); short protein forms G253V, G379V, G276V, G368V, G369V, G393V, G396V, G383V.
Identifiers: ClinVar variation 645786 (VCV000645786.10), dbSNP rs36053993, ClinGen allele CA340133193.